The following is an entry in ClinVar:

NM_206933.4(USH2A):c.4837A>G (p.Ile1613Val)

Gene: USH2A (usherin; minus strand). Cytogenetic location: 1q41.
Variant type: single nucleotide variant.
Coding change: c.4837A>G on transcript NM_206933.4 (MANE Select); coding-DNA position 4837, A replaced by G.
Protein change: p.Ile1613Val; replaces isoleucine 1613 with valine.
Molecular consequence: missense variant.
Genome position (GRCh38, 1-based): chr1:216,089,061, T>C on the plus strand (A>G on the coding strand, the complement: USH2A is on the minus strand). VCF-style: chr1-216089061-T-C. GRCh37 (hg19) VCF-style: chr1-216262403-T-C.
Other names: short protein forms I1613V.
Identifiers: ClinVar variation 48523 (VCV000048523.9), dbSNP rs397518017, ClinGen allele CA143501.

ClinVar aggregate classification (germline): Conflicting classifications of pathogenicity. Review status: criteria provided, conflicting classifications (1 of 4 stars). 4 submissions from 4 submitters: Uncertain significance (1); Likely benign (2). 1 of the submissions does not count toward it. Last evaluated 2023-06-15.

Conditions:
Usher syndrome type 2A. Also called: USHER SYNDROME, TYPE IIA; RETINAL DISEASE IN USHER SYNDROME TYPE IIA, MODIFIER OF. Identifiers: Orphanet 231178, Orphanet 886, MedGen C1848634, MONDO:0010169, OMIM 276901.
Retinitis pigmentosa 39 (RP39). Identifiers: Orphanet 791, MedGen C3151138, MONDO:0013436, OMIM 613809.

Allele frequency attached by ClinVar (database versions not stated): gnomAD exomes below 0.00001 and 0.00001; TOPMed below 0.00001; gnomAD 0.00001.
gnomAD v4.1: 22 of 1,613,414 alleles (0.0014%); highest among the groups gnomAD compares: Non-Finnish European, 0.0017%; no homozygotes.

Submissions (4):

Blueprint Genetics
Classification: Likely benign. Last evaluated: 2023-06-15. Review status: criteria provided, single submitter. Criteria: ACMG Guidelines, 2015. Collection method: clinical testing. Allele origin: germline.

Labcorp Genetics (formerly Invitae), Labcorp
Classification: Uncertain significance. Last evaluated: 2022-07-26. Review status: criteria provided, single submitter. Criteria: Invitae Variant Classification Sherloc (09022015). Collection method: clinical testing. Allele origin: germline.
Comment: This sequence change replaces isoleucine, which is neutral and non-polar, with valine, which is neutral and non-polar, at codon 1613 of the USH2A protein (p.Ile1613Val). This variant is present in population databases (rs397518017, gnomAD 0.0009%). This variant has not been reported in the literature in individuals affected with USH2A-related conditions. ClinVar contains an entry for this variant (Variation ID: 48523). Algorithms developed to predict the effect of missense changes on protein structure and function output the following: SIFT: "Tolerated"; PolyPhen-2: "Benign"; Align-GVGD: "Class C0". The valine amino acid residue is found in multiple mammalian species, which suggests that this missense change does not adversely affect protein function. In summary, the available evidence is currently insufficient to determine the role of this variant in disease. Therefore, it has been classified as a Variant of Uncertain Significance.

Laboratory for Molecular Medicine, Mass General Brigham Personalized Medicine
Classification: Likely benign. Last evaluated: 2013-03-11. Review status: criteria provided, single submitter. Criteria: LMM Criteria. Collection method: clinical testing. Allele origin: germline. Observed: 1 variant allele.
Comment: The Ile1613Val variant in USH2A: This variant is not expected to have clinical s ignificance due to lack of conservation across species, including mammals. This variant is present several species, including mouse. In addition, computational analyses (PolyPhen2, SIFT, AlignGVGD) do not suggest a high likelihood of impact to the protein.

Counsyl
Classification: Uncertain significance for Usher syndrome type 2A; Retinitis pigmentosa 39. Last evaluated: 2018-03-20. Review status: no assertion criteria provided. Collection method: clinical testing. Allele origin: unknown. Not counted in ClinVar's aggregate classification.